The following is an entry in ClinVar:

ClinVar aggregate classification (germline): Likely pathogenic (1 of 4 stars; one submission).

Submission:

Dasa
Classification: Likely pathogenic. Last evaluated: 2025-11-19. Review status: criteria provided, single submitter. Criteria: DASA Assertion Criteria. Collection method: clinical testing. Allele origin: germline.
Comment: NM_001190274.2(FBXO11):c.2159C>G (p.Pro720Arg) is a missense variant that results in the substitution of proline with arginine. This variant is absent from population databases. Computational evidence supports a deleterious effect. Based on the currently available evidence, this variant is classified as likely pathogenic.

NM_001190274.2(FBXO11):c.2159C>G (p.Pro720Arg)

Gene: FBXO11 (F-box protein 11; minus strand). Cytogenetic location: 2p16.3.
Variant type: single nucleotide variant.
Coding change: c.2159C>G on transcript NM_001190274.2 (MANE Select); coding-DNA position 2159, C replaced by G.
Protein change: p.Pro720Arg; replaces proline 720 with arginine.
Molecular consequence: missense variant.
Genome position (GRCh38, 1-based): chr2:47,813,302, G>C on the plus strand (C>G on the coding strand, the complement: FBXO11 is on the minus strand). VCF-style: chr2-47813302-G-C. GRCh37 (hg19) VCF-style: chr2-48040441-G-C.
Other names: c.1907C>G, p.Pro636Arg (NM_001374325.1, NM_025133.4); short protein forms P636R, P720R.
Identifiers: ClinVar variation 4882130 (VCV004882130.2).